The following is an entry in ClinVar:

NM_145290.4(ADGRA3):c.470G>A (p.Arg157Gln)

Gene: ADGRA3 (adhesion G protein-coupled receptor A3; minus strand). Cytogenetic location: 4p15.2.
Variant type: single nucleotide variant.
Coding change: c.470G>A on transcript NM_145290.4 (MANE Select); coding-DNA position 470, G replaced by A.
Protein change: p.Arg157Gln; replaces arginine 157 with glutamine.
Molecular consequence: missense variant.
Genome position (GRCh38, 1-based): chr4:22,454,869, C>T on the plus strand (G>A on the coding strand, the complement: ADGRA3 is on the minus strand). VCF-style: chr4-22454869-C-T. GRCh37 (hg19) VCF-style: chr4-22456492-C-T.
Other names: c.470G>A (NM_145290.2); short protein forms R157Q.
Identifiers: ClinVar variation 850487 (VCV000850487.11), dbSNP rs144574896, ClinGen allele CA2874254.

ClinVar aggregate classification (germline): Uncertain significance. Review status: criteria provided, multiple submitters, no conflicts (2 of 4 stars). 3 submissions from 3 submitters: Uncertain significance (2). 1 of the submissions does not count toward it. Last evaluated 2026-01-21.

Conditions:
Retinal dystrophy. Also called: Inherited retinal dystrophy. Identifiers: Orphanet 71862, MedGen C0854723, MeSH D058499, MONDO:0019118, HP:0000556.

Allele frequency attached by ClinVar (database versions not stated): 1000 Genomes Project 0.00040; gnomAD exomes 0.00060 and 0.00091; 1000 Genomes Project 30x 0.00062; ExAC 0.00062; ESP Exome Variant Server 0.00069; gnomAD 0.00082 and 0.00083; TOPMed 0.00083.

Submissions (3):

Labcorp Genetics (formerly Invitae), Labcorp
Classification: Uncertain significance. Last evaluated: 2026-01-21. Review status: criteria provided, single submitter. Criteria: Invitae Variant Classification Sherloc (09022015). Collection method: clinical testing. Allele origin: germline.
Comment: This sequence change replaces arginine, which is basic and polar, with glutamine, which is neutral and polar, at codon 157 of the ADGRA3 protein (p.Arg157Gln). This variant is present in population databases (rs144574896, gnomAD 0.1%), and has an allele count higher than expected for a pathogenic variant. This variant has not been reported in the literature in individuals affected with ADGRA3-related conditions. ClinVar contains an entry for this variant (Variation ID: 850487). An algorithm developed to predict the effect of missense changes on protein structure and function (PolyPhen-2) suggests that this variant is likely to be disruptive. In summary, the available evidence is currently insufficient to determine the role of this variant in disease. Therefore, it has been classified as a Variant of Uncertain Significance.

Ambry Genetics
Classification: Uncertain significance. Last evaluated: 2025-12-04. Review status: criteria provided, single submitter. Criteria: Ambry Variant Classification Scheme 2023. Collection method: clinical testing. Allele origin: germline.

Institute of Human Genetics, Univ. Regensburg, Univ. Regensburg
Classification: Uncertain significance for Retinal dystrophy. Last evaluated: 2023-01-01. Review status: no assertion criteria provided. Criteria: ACMG Guidelines, 2015. Collection method: clinical testing. Allele origin: germline. Affected: yes. Not counted in ClinVar's aggregate classification.